The following is an entry in ClinVar:

NM_000297.4(PKD2):c.595+3A>T

Gene: PKD2 (polycystin 2, transient receptor potential cation channel; plus strand). Cytogenetic location: 4q22.1.
Variant type: single nucleotide variant.
Coding change: c.595+3A>T on transcript NM_000297.4 (MANE Select); 3 bases into the intron after coding-DNA position 595, A replaced by T.
Molecular consequence: intron variant.
Genome position (GRCh38, 1-based): chr4:88,008,331, A>T. VCF-style: chr4-88008331-A-T. GRCh37 (hg19) VCF-style: chr4-88929483-A-T.
Other names: c.595+3A>T (NM_000297.3).
Identifiers: ClinVar variation 635504 (VCV000635504.3), dbSNP rs1331405684, ClinGen allele CA913190203.

ClinVar aggregate classification (germline): Uncertain significance. Review status: criteria provided, single submitter (1 of 4 stars). 2 submissions from 2 submitters: Uncertain significance (1). 1 of the submissions does not count toward it. Last evaluated 2024-09-20.

Conditions:
Polycystic kidney disease 2 (PKD2). Also called: Polycystic Kidney Disease 2, Autosomal Dominant; POLYCYSTIC KIDNEY DISEASE, ADULT, TYPE II; POLYCYSTIC KIDNEY DISEASE 2 WITH OR WITHOUT POLYCYSTIC LIVER DISEASE. Identifiers: MedGen C2751306, MONDO:0013131, OMIM 613095.

Submissions (2):

Victorian Clinical Genetics Services, Murdoch Childrens Research Institute
Classification: Uncertain significance for Polycystic kidney disease 2. Last evaluated: 2024-09-20. Review status: criteria provided, single submitter. Criteria: ACMG Guidelines, 2015. Collection method: clinical testing. Allele origin: germline. Inheritance: Autosomal dominant inheritance. Affected: yes.
Comment: Based on the classification scheme VCGS_Germline_v1.3.4, this variant is classified as VUS-3A. Following criteria are met: 0102 - Loss of function is a known mechanism of disease in this gene and is associated with polycystic kidney disease 2 (MIM#613095). (I) 0107 - This gene is associated with autosomal dominant disease. (I) 0212 - Non-canonical splice site variant without proven consequence on splicing (no functional evidence available). (SP) 0251 - This variant is heterozygous. (I) 0301 - Variant is absent from gnomAD (both v2 and v3). (SP) 0505 - Abnormal splicing is predicted by in silico tools and affected nucleotide is moderately conserved. (N) 0705 - No comparable non-canonical splice-site variants have previous evidence for pathogenicity. (I) 0809 - Previous evidence of pathogenicity for this variant is inconclusive. ClinVar contains one VUS entry for this variant. (I) 0905 - No published segregation evidence has been identified for this variant. (I) 1007 - No published functional evidence has been identified for this variant. (I) 1208 - Inheritance information for this variant is not currently available in this individual. (I) Legend: (SP) - Supporting pathogenic, (I) - Information, (SB) - Supporting benign

Bioscientia Institut fuer Medizinische Diagnostik GmbH, Sonic Healthcare
Classification: Uncertain significance for Polycystic kidney disease 2. Last evaluated: 2018-10-26. Review status: no assertion criteria provided. Collection method: clinical testing. Allele origin: germline. Affected: yes. Not counted in ClinVar's aggregate classification.